The following is an entry in ClinVar:

NM_000059.4(BRCA2):c.9256+5762T>C

Gene: BRCA2 (BRCA2 DNA repair associated; plus strand). Cytogenetic location: 13q13.1.
Variant type: single nucleotide variant.
Coding change: c.9256+5762T>C on transcript NM_000059.4 (MANE Select); 5762 bases into the intron after coding-DNA position 9256, T replaced by C.
Molecular consequence: intron variant.
Genome position (GRCh38, 1-based): chr13:32,385,907, T>C. VCF-style: chr13-32385907-T-C. GRCh37 (hg19) VCF-style: chr13-32960044-T-C.
Other names: IVS 24+5762T>C.
Identifiers: ClinVar variation 209873 (VCV000209873.1), dbSNP rs11571790, ClinGen allele CA276841.
Genomic context (GRCh38, chr13:32,385,907, plus strand): 5'-AGAAATCTGATGTCAGTGCAATTATCCGTTATTTAAAAGCAATAAAAATAGAAAAAGGCA[T>C]AATTTTCAAGGGATAAAAGTGTCAATTCTTTGGAGAAACTGGTTTTAAGGAAACTTCAGA-3'

ClinVar aggregate classification (germline): Benign (3 of 4 stars; one submission).

Conditions:
Breast-ovarian cancer, familial, susceptibility to, 2 (BROVCA2). Also called: BRCA2 Hereditary Breast and Ovarian Cancer. Identifiers: Orphanet 145, MedGen C2675520, MONDO:0012933, OMIM 612555. Disease mechanism: loss of function.

Allele frequency attached by ClinVar (database versions not stated): gnomAD exomes 0.00025; gnomAD 0.00738 and 0.00789; TOPMed 0.00806; 1000 Genomes Project 0.00899; 1000 Genomes Project 30x 0.00984.
gnomAD v4.1: 1,107 of 160,766 alleles (0.69%); highest among the groups gnomAD compares: African/African-American, 2.5%; 14 homozygotes.

Submission:

Evidence-based Network for the Interpretation of Germline Mutant Alleles (ENIGMA)
Classification: Benign for Breast-ovarian cancer, familial 2. Last evaluated: 2015-01-12. Review status: reviewed by expert panel. Criteria: ENIGMA BRCA1/2 Classification Criteria (2015). Collection method: curation. Allele origin: germline.
Comment: Class 1 not pathogenic based on frequency >1% in an outbred sampleset. Frequency 0.03252 (African), derived from 1000 genomes (2012-04-30).